The following is an entry in ClinVar:

NM_000089.4(COL1A2):c.1251+5G>C

Gene: COL1A2 (collagen type I alpha 2 chain; plus strand). Cytogenetic location: 7q21.3.
Variant type: single nucleotide variant.
Coding change: c.1251+5G>C on transcript NM_000089.4 (MANE Select); 5 bases into the intron after coding-DNA position 1251, G replaced by C.
Molecular consequence: intron variant.
Genome position (GRCh38, 1-based): chr7:94,410,947, G>C. VCF-style: chr7-94410947-G-C. GRCh37 (hg19) VCF-style: chr7-94040259-G-C.
Identifiers: ClinVar variation 2037183 (VCV002037183.4), dbSNP rs1584320262, ClinGen allele CA2580077980.
Genomic context (GRCh38, chr7:94,410,947, plus strand): 5'-AGGGTAGTCCTGGTTCTCGTGGTCTTCCTGGAGCTGATGGCAGAGCTGGCGTCATGGTAA[G>C]CTGTCTATCACTTACTTCCTAGAAAGGGGCTTGCTGCTTCTGGTGGTGGGTGTGTCATTA-3'

ClinVar aggregate classification (germline): Uncertain significance (1 of 4 stars; one submission).

Conditions:
Ehlers-Danlos syndrome, classic type, 1 (EDSCL1). Also called: EHLERS-DANLOS SYNDROME, GRAVIS TYPE; EHLERS-DANLOS SYNDROME, SEVERE CLASSIC TYPE; Ehlers-Danlos syndrome, type 1; EDS I; Ehlers-Danlos Syndrome, Classic Type, COL5A1-Related. Identifiers: MedGen C0268335, MONDO:0019567, OMIM 130000.
Osteogenesis imperfecta type I (OI1). Also called: OI, TYPE I; OSTEOGENESIS IMPERFECTA TARDA; OSTEOGENESIS IMPERFECTA WITH BLUE SCLERAE; Osteogenesis imperfecta type 1; Lobstein's Disease; Lobstein disease. Identifiers: Orphanet 216796, Orphanet 666, MedGen C0023931, MONDO:0008146, OMIM 166200. Disease mechanism: loss of function.

Submission:

Labcorp Genetics (formerly Invitae), Labcorp
Classification: Uncertain significance for Osteogenesis imperfecta type I; Ehlers-Danlos syndrome, classic type, 1. Last evaluated: 2025-03-17. Review status: criteria provided, single submitter. Criteria: Invitae Variant Classification Sherloc (09022015). Collection method: clinical testing. Allele origin: germline.
Comment: This sequence change falls in intron 22 of the COL1A2 gene. It does not directly change the encoded amino acid sequence of the COL1A2 protein. It affects a nucleotide within the consensus splice site. This variant is not present in population databases (gnomAD no frequency). This variant has not been reported in the literature in individuals affected with COL1A2-related conditions. ClinVar contains an entry for this variant (Variation ID: 2037183). Variants that disrupt the consensus splice site are a relatively common cause of aberrant splicing (PMID: 17576681, 9536098). Algorithms developed to predict the effect of sequence changes on RNA splicing suggest that this variant may disrupt the consensus splice site. In summary, the available evidence is currently insufficient to determine the role of this variant in disease. Therefore, it has been classified as a Variant of Uncertain Significance.

Literature cited by the submitters: PubMed 17576681; PubMed 9536098.